The following is an entry in ClinVar:

NM_001846.4(COL4A2):c.4139-2A>C

Genes: COL4A2 (collagen type IV alpha 2 chain; plus strand), COL4A2-AS1 (COL4A2 antisense RNA 1; minus strand). Cytogenetic location: 13q34.
Variant type: single nucleotide variant.
Coding change: c.4139-2A>C on transcript NM_001846.4 (MANE Select); the canonical splice acceptor site of the intron before coding-DNA position 4139, A replaced by C.
Molecular consequence: splice acceptor variant.
Genome position (GRCh38, 1-based): chr13:110,503,845, A>C. VCF-style: chr13-110503845-A-C. GRCh37 (hg19) VCF-style: chr13-111156192-A-C.
Identifiers: ClinVar variation 2630242 (VCV002630242.1), dbSNP rs1279046874, ClinGen allele CA388737324.
Genomic context (GRCh38, chr13:110,503,845, plus strand): 5'-CTCGGAGCAAGAGAGTGGAACGACCTTGTGTGTTTACTGGGGCCTCTCTGTTTCCCTTCC[A>C]GGTGCCCCCGGGACTGTGGGAGCCCCCGGGATTGCAGGAATCCCCCAGAAGATTGCCGTC-3'

ClinVar aggregate classification (germline): Uncertain significance (1 of 4 stars; one submission).

Conditions:
COL4A2-related disorder. Also called: COL4A2-related disorders; COL4A2-related condition.

Submission:

PreventionGenetics, part of Exact Sciences
Classification: Uncertain significance for COL4A2-related condition. Last evaluated: 2023-02-27. Review status: criteria provided, single submitter. Criteria: ACMG Guidelines, 2015. Collection method: clinical testing. Allele origin: germline.
Comment: The COL4A2 c.4139-2A>C variant is predicted to disrupt the AG splice acceptor site and interfere with normal splicing. To our knowledge, this variant has not been reported in the literature or in a large population database, indicating this variant is rare. To date, all reported canonical splice site variants or protein-truncating variants in the literature are upstream to the c.4139-2A>C variant (Human Gene Mutation Database). Although we suspect that this variant may be pathogenic, at this time, the clinical significance of this variant is uncertain due to the absence of conclusive functional and genetic evidence.